The following is an entry in ClinVar:

ClinVar aggregate classification (germline): Uncertain significance (1 of 4 stars; one submission).

Conditions:
Developmental and epileptic encephalopathy, 33 (DEE33). Also called: Epileptic encephalopathy, early infantile, 33. Identifiers: Orphanet 442835, MedGen C4225337, MONDO:0014625, OMIM 616409.

Allele frequency attached by ClinVar (database versions not stated): TOPMed below 0.00001.

Submission:

Labcorp Genetics (formerly Invitae), Labcorp
Classification: Uncertain significance for Developmental and epileptic encephalopathy, 33. Last evaluated: 2022-10-19. Review status: criteria provided, single submitter. Criteria: Invitae Variant Classification Sherloc (09022015). Collection method: clinical testing. Allele origin: germline.
Comment: This sequence change replaces lysine, which is basic and polar, with arginine, which is basic and polar, at codon 439 of the EEF1A2 protein (p.Lys439Arg). This variant is not present in population databases (gnomAD no frequency). This missense change has been observed in individual(s) with clinical features of EEF1A2-related conditions (Invitae). ClinVar contains an entry for this variant (Variation ID: 1421838). Advanced modeling of protein sequence and biophysical properties (such as structural, functional, and spatial information, amino acid conservation, physicochemical variation, residue mobility, and thermodynamic stability) performed at Invitae indicates that this missense variant is not expected to disrupt EEF1A2 protein function. In summary, the available evidence is currently insufficient to determine the role of this variant in disease. Therefore, it has been classified as a Variant of Uncertain Significance.

NM_001958.5(EEF1A2):c.1316A>G (p.Lys439Arg)

Gene: EEF1A2 (eukaryotic translation elongation factor 1 alpha 2; minus strand). Cytogenetic location: 20q13.33.
Variant type: single nucleotide variant.
Coding change: c.1316A>G on transcript NM_001958.5 (MANE Select); coding-DNA position 1316, A replaced by G.
Protein change: p.Lys439Arg; replaces lysine 439 with arginine.
Molecular consequence: missense variant.
Genome position (GRCh38, 1-based): chr20:63,488,374, T>C on the plus strand (A>G on the coding strand, the complement: EEF1A2 is on the minus strand). VCF-style: chr20-63488374-T-C. GRCh37 (hg19) VCF-style: chr20-62119727-T-C.
Other names: short protein forms K439R.
Identifiers: ClinVar variation 1421838 (VCV001421838.8), dbSNP rs1286655873, ClinGen allele CA409643485.